The following is an entry in ClinVar:

NM_001321759.2(CDIN1):c.269A>G (p.Asn90Ser)

Gene: CDIN1 (CDAN1 interacting nuclease 1; plus strand). Cytogenetic location: 15q14.
Variant type: single nucleotide variant.
Coding change: c.269A>G on transcript NM_001321759.2 (MANE Select); coding-DNA position 269, A replaced by G.
Protein change: p.Asn90Ser; replaces asparagine 90 with serine.
Molecular consequence: missense variant. On other transcripts: 5 prime UTR variant (4).
Genome position (GRCh38, 1-based): chr15:36,654,154, A>G. VCF-style: chr15-36654154-A-G. GRCh37 (hg19) VCF-style: chr15-36946355-A-G.
Other names: c.-26A>G (NM_001321756.2, NM_001290232.2, NM_032499.6); c.-135A>G (NM_001321757.2); c.158A>G, p.Asn53Ser (NM_001321758.2); c.269A>G, p.Asn90Ser (NM_001130010.3, NM_001290233.2, NM_001321760.2 and 1 more transcripts); short protein forms N90S, N53S.
Identifiers: ClinVar variation 1969144 (VCV001969144.4), dbSNP rs1260103785, ClinGen allele CA391925085.

ClinVar aggregate classification (germline): Uncertain significance (1 of 4 stars; one submission).

Allele frequency attached by ClinVar (database versions not stated): TOPMed below 0.00001.
gnomAD v4.1: 6 of 1,568,166 alleles (0.00038%); highest among the groups gnomAD compares: East Asian, 0.0023%; no homozygotes.

Submission:

Labcorp Genetics (formerly Invitae), Labcorp
Classification: Uncertain significance. Last evaluated: 2022-08-02. Review status: criteria provided, single submitter. Criteria: Invitae Variant Classification Sherloc (09022015). Collection method: clinical testing. Allele origin: germline.
Comment: Algorithms developed to predict the effect of missense changes on protein structure and function (SIFT, PolyPhen-2, Align-GVGD) all suggest that this variant is likely to be tolerated. In summary, the available evidence is currently insufficient to determine the role of this variant in disease. Therefore, it has been classified as a Variant of Uncertain Significance. This variant has not been reported in the literature in individuals affected with C15orf41-related conditions. The frequency data for this variant in the population databases is considered unreliable, as metrics indicate poor data quality at this position in the gnomAD database. This sequence change replaces asparagine, which is neutral and polar, with serine, which is neutral and polar, at codon 90 of the C15orf41 protein (p.Asn90Ser).